The following is an entry in ClinVar:

NM_001854.4(COL11A1):c.2341-2A>G

Gene: COL11A1 (collagen type XI alpha 1 chain; minus strand). Cytogenetic location: 1p21.1.
Variant type: single nucleotide variant.
Coding change: c.2341-2A>G on transcript NM_001854.4 (MANE Select); the canonical splice acceptor site of the intron before coding-DNA position 2341, A replaced by G.
Molecular consequence: splice acceptor variant.
Genome position (GRCh38, 1-based): chr1:102,989,573, T>C on the plus strand (A>G on the coding strand, the complement: COL11A1 is on the minus strand). VCF-style: chr1-102989573-T-C. GRCh37 (hg19) VCF-style: chr1-103455129-T-C.
Other names: c.2224-2A>G (NM_001190709.2); c.2377-2A>G (NM_080629.3); c.1993-2A>G (NM_080630.4).
Identifiers: ClinVar variation 4725787 (VCV004725787.1).
Genomic context (GRCh38, chr1:102,989,573, plus strand): 5'-CTTACTCTGTCACCTTTTAGACCCATGTCACCTTTGAATCCTGGAAAACCATCTTCACCC[T>C]AAAACATTATAAAAGGAATTAAATAGGAGTTTAATCAGTCCTTTGGAGTAACCTAAAATA-3'

ClinVar aggregate classification (germline): Likely pathogenic (1 of 4 stars; one submission).

Submission:

Labcorp Genetics (formerly Invitae), Labcorp
Classification: Likely pathogenic. Last evaluated: 2025-09-25. Review status: criteria provided, single submitter. Criteria: Invitae Variant Classification Sherloc (09022015). Collection method: clinical testing. Allele origin: germline.
Comment: This sequence change affects an acceptor splice site in intron 28 of the COL11A1 gene. It is expected to disrupt RNA splicing. Variants that disrupt the donor or acceptor splice site typically lead to a loss of protein function (PMID: 16199547), and loss-of-function variants in COL11A1 are known to be pathogenic (PMID: 20513134, 21035103, 23922384, 25240749, 32427345, 32756486). This variant is not present in population databases (gnomAD no frequency). Disruption of this splice site has been observed in individual(s) with COL11A1-related conditions (internal data). Algorithms developed to predict the effect of sequence changes on RNA splicing suggest that this variant may disrupt the consensus splice site. In summary, the currently available evidence indicates that the variant is pathogenic, but additional data are needed to prove that conclusively. Therefore, this variant has been classified as Likely Pathogenic.

Literature cited by the submitters: PubMed 16199547; PubMed 20513134; PubMed 21035103; PubMed 23922384; PubMed 25240749; PubMed 32427345; PubMed 32756486.